The following is an entry in ClinVar:

NM_015295.3(SMCHD1):c.4565C>T (p.Thr1522Met)

Gene: SMCHD1 (structural maintenance of chromosomes flexible hinge domain containing 1; plus strand). Cytogenetic location: 18p11.32.
Variant type: single nucleotide variant.
Coding change: c.4565C>T on transcript NM_015295.3 (MANE Select); coding-DNA position 4565, C replaced by T.
Protein change: p.Thr1522Met; replaces threonine 1522 with methionine.
Molecular consequence: missense variant.
Genome position (GRCh38, 1-based): chr18:2,762,235, C>T. VCF-style: chr18-2762235-C-T. GRCh37 (hg19) VCF-style: chr18-2762233-C-T.
Other names: c.4565C>T (NM_015295.2); short protein forms T1522M.
Identifiers: ClinVar variation 1502005 (VCV001502005.9), dbSNP rs376982809, ClinGen allele CA8871508.

ClinVar aggregate classification (germline): Uncertain significance. Review status: criteria provided, multiple submitters, no conflicts (2 of 4 stars). 2 submissions from 2 submitters: Uncertain significance (2). Last evaluated 2025-10-07.

Conditions:
Inborn genetic diseases. Identifiers: MedGen C0950123, MeSH D030342.
Facioscapulohumeral muscular dystrophy 2 (FSHD2). Also called: MUSCULAR DYSTROPHY, FACIOSCAPULOHUMERAL, TYPE 1B; FACIOSCAPULOHUMERAL MUSCULAR DYSTROPHY 2, DIGENIC; FSHD2, DIGENIC. Identifiers: Orphanet 269, MedGen C1834671, MONDO:0008031, OMIM 158901.

Allele frequency attached by ClinVar (database versions not stated): gnomAD exomes below 0.00001; ExAC 0.00001; gnomAD 0.00001; TOPMed 0.00001; ESP Exome Variant Server 0.00008.
gnomAD v4.1: 8 of 1,612,084 alleles (0.0005%); highest among the groups gnomAD compares: African/African-American, 0.0067%; no homozygotes.

Submissions (2):

Ambry Genetics
Classification: Uncertain significance for Inborn genetic diseases. Last evaluated: 2025-10-07. Review status: criteria provided, single submitter. Criteria: Ambry Variant Classification Scheme 2023. Collection method: clinical testing. Allele origin: germline.

Labcorp Genetics (formerly Invitae), Labcorp
Classification: Uncertain significance for Facioscapulohumeral muscular dystrophy 2. Last evaluated: 2025-02-19. Review status: criteria provided, single submitter. Criteria: Invitae Variant Classification Sherloc (09022015). Collection method: clinical testing. Allele origin: germline.
Comment: This sequence change replaces threonine, which is neutral and polar, with methionine, which is neutral and non-polar, at codon 1522 of the SMCHD1 protein (p.Thr1522Met). This variant is present in population databases (rs376982809, gnomAD 0.0009%). This variant has not been reported in the literature in individuals affected with SMCHD1-related conditions. ClinVar contains an entry for this variant (Variation ID: 1502005). An algorithm developed to predict the effect of missense changes on protein structure and function outputs the following: PolyPhen-2: "Benign". The methionine amino acid residue is found in multiple mammalian species, which suggests that this missense change does not adversely affect protein function. In summary, the available evidence is currently insufficient to determine the role of this variant in disease. Therefore, it has been classified as a Variant of Uncertain Significance.